The following is an entry in ClinVar:

NM_198578.4(LRRK2):c.3529A>G (p.Ile1177Val)

Gene: LRRK2 (leucine rich repeat kinase 2; plus strand). Cytogenetic location: 12q12.
Variant type: single nucleotide variant.
Coding change: c.3529A>G on transcript NM_198578.4 (MANE Select); coding-DNA position 3529, A replaced by G.
Protein change: p.Ile1177Val; replaces isoleucine 1177 with valine.
Molecular consequence: missense variant.
Genome position (GRCh38, 1-based): chr12:40,302,821, A>G. VCF-style: chr12-40302821-A-G. GRCh37 (hg19) VCF-style: chr12-40696623-A-G.
Other names: short protein forms I1177V.
Identifiers: ClinVar variation 1732328 (VCV001732328.2), dbSNP rs1944679882, ClinGen allele CA384416366.

ClinVar aggregate classification (germline): Uncertain significance (1 of 4 stars; one submission).

Conditions:
Inborn genetic diseases. Identifiers: MedGen C0950123, MeSH D030342.

Allele frequency attached by ClinVar (database versions not stated): gnomAD exomes below 0.00001; TOPMed below 0.00001.
gnomAD v4.1: 2 of 1,611,368 alleles (0.00012%); highest among the groups gnomAD compares: Non-Finnish European, 0.00017%; no homozygotes.

Submission:

Ambry Genetics
Classification: Uncertain significance for Inborn genetic diseases. Last evaluated: 2022-07-26. Review status: criteria provided, single submitter. Criteria: Ambry Variant Classification Scheme 2023. Collection method: clinical testing. Allele origin: germline.
Comment: The p.I1177V variant (also known as c.3529A>G), located in coding exon 26 of the LRRK2 gene, results from an A to G substitution at nucleotide position 3529. The isoleucine at codon 1177 is replaced by valine, an amino acid with highly similar properties. This amino acid position is conserved. In addition, this alteration is predicted to be tolerated by in silico analysis. Since supporting evidence is limited at this time, the clinical significance of this alteration remains unclear.